The following is an entry in ClinVar:

ClinVar aggregate classification (germline): Uncertain significance (1 of 4 stars; one submission).

Submission:

Greenwood Genetic Center Diagnostic Laboratories, Greenwood Genetic Center
Classification: Uncertain significance. Last evaluated: 2022-04-19. Review status: criteria provided, single submitter. Criteria: ACMG Guidelines, 2015. Collection method: clinical testing. Allele origin: germline. Affected: yes.
Comment: PM2

NM_000944.5(PPP3CA):c.1370-8C>G

Gene: PPP3CA (protein phosphatase 3 catalytic subunit alpha; minus strand). Cytogenetic location: 4q24.
Variant type: single nucleotide variant.
Coding change: c.1370-8C>G on transcript NM_000944.5 (MANE Select); 8 bases into the intron before coding-DNA position 1370, C replaced by G.
Molecular consequence: intron variant.
Genome position (GRCh38, 1-based): chr4:101,026,069, G>C on the plus strand (C>G on the coding strand, the complement: PPP3CA is on the minus strand). VCF-style: chr4-101026069-G-C. GRCh37 (hg19) VCF-style: chr4-101947226-G-C.
Other names: c.1214-8C>G (NM_001130692.2); c.1340-8C>G (NM_001130691.2).
Identifiers: ClinVar variation 1703148 (VCV001703148.3), dbSNP rs2110200601, ClinGen allele CA2547877358.